The following is an entry in ClinVar:

NM_000091.5(COL4A3):c.2981G>T (p.Gly994Val)

Genes: COL4A3 (collagen type IV alpha 3 chain; plus strand), MFF-DT (MFF divergent transcript; minus strand). Cytogenetic location: 2q36.3.
Variant type: single nucleotide variant.
Coding change: c.2981G>T on transcript NM_000091.5 (MANE Select); coding-DNA position 2981, G replaced by T.
Protein change: p.Gly994Val; replaces glycine 994 with valine.
Molecular consequence: missense variant.
Genome position (GRCh38, 1-based): chr2:227,289,999, G>T. VCF-style: chr2-227289999-G-T. GRCh37 (hg19) VCF-style: chr2-228154715-G-T.
Other names: short protein forms G994V.
Identifiers: ClinVar variation 1018935 (VCV001018935.8), dbSNP rs1574803132, ClinGen allele CA350854724.

ClinVar aggregate classification (germline): Uncertain significance (1 of 4 stars; one submission).

Submission:

Labcorp Genetics (formerly Invitae), Labcorp
Classification: Uncertain significance. Last evaluated: 2025-05-12. Review status: criteria provided, single submitter. Criteria: Invitae Variant Classification Sherloc (09022015). Collection method: clinical testing. Allele origin: germline.
Comment: This sequence change replaces glycine, which is neutral and non-polar, with valine, which is neutral and non-polar, at codon 994 of the COL4A3 protein (p.Gly994Val). This variant is not present in population databases (gnomAD no frequency). This variant has not been reported in the literature in individuals affected with COL4A3-related conditions. ClinVar contains an entry for this variant (Variation ID: 1018935). Experimental studies and prediction algorithms are not available or were not evaluated, and the functional significance of this variant is currently unknown. Algorithms developed to predict the effect of sequence changes on RNA splicing suggest that this variant may disrupt the consensus splice site. In summary, the available evidence is currently insufficient to determine the role of this variant in disease. Therefore, it has been classified as a Variant of Uncertain Significance.